The following is an entry in ClinVar:

NM_001408.3(CELSR2):c.6635C>T (p.Thr2212Met)

Gene: CELSR2 (cadherin EGF LAG seven-pass G-type receptor 2; plus strand). Cytogenetic location: 1p13.3.
Variant type: single nucleotide variant.
Coding change: c.6635C>T on transcript NM_001408.3 (MANE Select); coding-DNA position 6635, C replaced by T.
Protein change: p.Thr2212Met; replaces threonine 2212 with methionine.
Molecular consequence: missense variant.
Genome position (GRCh38, 1-based): chr1:109,269,113, C>T. VCF-style: chr1-109269113-C-T. GRCh37 (hg19) VCF-style: chr1-109811735-C-T.
Other names: short protein forms T2212M.
Identifiers: ClinVar variation 4225315 (VCV004225315.2).

ClinVar aggregate classification (germline): Uncertain significance. Review status: criteria provided, multiple submitters, no conflicts (2 of 4 stars). 2 submissions from 2 submitters: Uncertain significance (2). Last evaluated 2025-10-14.

gnomAD v4.1: 84 of 1,599,064 alleles (0.0053%); highest among the groups gnomAD compares: Non-Finnish European, 0.0048%; no homozygotes.

Submissions (2):

Labcorp Genetics (formerly Invitae), Labcorp
Classification: Uncertain significance. Last evaluated: 2025-10-14. Review status: criteria provided, single submitter. Criteria: Invitae Variant Classification Sherloc (09022015). Collection method: clinical testing. Allele origin: germline.
Comment: This sequence change replaces threonine, which is neutral and polar, with methionine, which is neutral and non-polar, at codon 2212 of the CELSR2 protein (p.Thr2212Met). This variant is present in population databases (rs373429216, gnomAD 0.003%). This variant has not been reported in the literature in individuals affected with CELSR2-related conditions. Invitae Evidence Modeling of protein sequence and biophysical properties (such as structural, functional, and spatial information, amino acid conservation, physicochemical variation, residue mobility, and thermodynamic stability) indicates that this missense variant is not expected to disrupt CELSR2 protein function with a negative predictive value of 80%. In summary, the available evidence is currently insufficient to determine the role of this variant in disease. Therefore, it has been classified as a Variant of Uncertain Significance.

Ambry Genetics
Classification: Uncertain significance. Last evaluated: 2025-06-18. Review status: criteria provided, single submitter. Criteria: Ambry Variant Classification Scheme 2023. Collection method: clinical testing. Allele origin: germline.